The following is an entry in ClinVar:

ClinVar aggregate classification (germline): Likely benign. Review status: criteria provided, multiple submitters, no conflicts (2 of 4 stars). 3 submissions from 3 submitters: Likely benign (2). 1 of the submissions does not count toward it. Last evaluated 2024-11-05.

Conditions:
PHIP-related disorder. Also called: PHIP-related condition; PHIP-related disorders.

gnomAD v4.1: 86 of 1,609,244 alleles (0.0053%); highest among the groups gnomAD compares: Non-Finnish European, 0.0071%; no homozygotes.

Submissions (3):

Blueprint Genetics
Classification: Likely benign. Last evaluated: 2024-11-05. Review status: criteria provided, single submitter. Criteria: ACMG Guidelines, 2015. Collection method: clinical testing. Allele origin: germline.

Labcorp Genetics (formerly Invitae), Labcorp
Classification: Likely benign. Last evaluated: 2024-06-21. Review status: criteria provided, single submitter. Criteria: Invitae Variant Classification Sherloc (09022015). Collection method: clinical testing. Allele origin: germline.

PreventionGenetics, part of Exact Sciences
Classification: Likely benign for PHIP-related condition. Last evaluated: 2022-03-02. Review status: no assertion criteria provided. Collection method: clinical testing. Allele origin: germline. Not counted in ClinVar's aggregate classification.
Comment: This variant is classified as likely benign based on ACMG/AMP sequence variant interpretation guidelines (Richards et al. 2015 PMID: 25741868, with internal and published modifications).

NM_017934.7(PHIP):c.4080A>G (p.Pro1360=)

Genes: IRAK1BP1 (interleukin 1 receptor associated kinase 1 binding protein 1; plus strand), PHIP (PHIP subunit of CUL4-Ring ligase complex; minus strand). Cytogenetic location: 6q14.1.
Variant type: single nucleotide variant.
Coding change: c.4080A>G on transcript NM_017934.7 (MANE Select); coding-DNA position 4080, A replaced by G.
Protein change: p.Pro1360=; no amino-acid change (proline 1360 retained).
Molecular consequence: synonymous variant.
Genome position (GRCh38, 1-based): chr6:78,947,749, T>C on the plus strand (A>G on the coding strand, the complement: PHIP is on the minus strand). VCF-style: chr6-78947749-T-C. GRCh37 (hg19) VCF-style: chr6-79657466-T-C.
Identifiers: ClinVar variation 3355271 (VCV003355271.4).